The following is an entry in ClinVar:

NM_001077365.2(POMT1):c.803G>A (p.Arg268His)

Gene: POMT1 (protein O-mannosyltransferase 1; plus strand). Cytogenetic location: 9q34.13.
Variant type: single nucleotide variant.
Coding change: c.803G>A on transcript NM_001077365.2 (MANE Select); coding-DNA position 803, G replaced by A.
Protein change: p.Arg268His; replaces arginine 268 with histidine.
Molecular consequence: missense variant. On other transcripts: synonymous variant (1), non-coding transcript variant (10).
Genome position (GRCh38, 1-based): chr9:131,510,363, G>A. VCF-style: chr9-131510363-G-A. GRCh37 (hg19) VCF-style: chr9-134385750-G-A.
Other names: c.641G>A, p.Arg214His (NM_001077366.2, NM_001353194.2, NM_001374693.1); c.803G>A, p.Arg268His (NM_001136113.2, NM_001374690.1); c.452G>A, p.Arg151His (NM_001136114.2, NM_001353195.2, NM_001374691.1 and 1 more transcripts); c.869G>A, p.Arg290His (NM_001353193.2, NM_007171.4); c.713G>A, p.Arg238His (NM_001353196.2); c.707G>A, p.Arg236His (NM_001353197.2, NM_001353198.2); c.518G>A, p.Arg173His (NM_001353199.2); c.347G>A, p.Arg116His (NM_001353200.2); and 2 more; short protein forms R290H, R116H, R173H, R236H, R151H, R214H, R238H, R268H.
Identifiers: ClinVar variation 436376 (VCV000436376.29), dbSNP rs369644530, ClinGen allele CA5293442.

ClinVar aggregate classification (germline): Uncertain significance. Review status: criteria provided, multiple submitters, no conflicts (2 of 4 stars). 9 submissions from 9 submitters: Uncertain significance (8). 1 of the submissions does not count toward it. Last evaluated 2025-10-01.

Conditions:
Inborn genetic diseases. Identifiers: MedGen C0950123, MeSH D030342.
Autosomal recessive limb-girdle muscular dystrophy type 2K. Also called: MUSCULAR DYSTROPHY, LIMB-GIRDLE, TYPE 2K; MUSCULAR DYSTROPHY-DYSTROGLYCANOPATHY (LIMB-GIRDLE), TYPE C, 1. Identifiers: Orphanet 86812, MedGen C1836373, MONDO:0012248, OMIM 609308.
Walker-Warburg congenital muscular dystrophy. Also called: Muscular dystrophy-dystroglycanopathy, type A; Walker-Warburg syndrome. Identifiers: Orphanet 899, MedGen C0265221, MONDO:0000171.
Muscular dystrophy-dystroglycanopathy (congenital with impaired intellectual development), type B, 1. Also called: Muscular dystrophy-dystroglycanopathy (congenital with intellectual disability), type B1; MUSCULAR DYSTROPHY, CONGENITAL, POMT1-RELATED. Identifiers: MedGen C5436962, MONDO:0013159, OMIM 613155.
Neurodevelopmental abnormality. Identifiers: MedGen C4022737, HP:0012759.

Allele frequency attached by ClinVar (database versions not stated): gnomAD 0.00006 and 0.00009; ESP Exome Variant Server 0.00008; TOPMed 0.00008.

Submissions (9):

Labcorp Genetics (formerly Invitae), Labcorp
Classification: Uncertain significance for Muscular dystrophy-dystroglycanopathy (congenital with impaired intellectual development), type B, 1; Walker-Warburg congenital muscular dystrophy; Autosomal recessive limb-girdle muscular dystrophy type 2K. Last evaluated: 2025-10-01. Review status: criteria provided, single submitter. Criteria: Invitae Variant Classification Sherloc (09022015). Collection method: clinical testing. Allele origin: germline.
Comment: This sequence change replaces arginine, which is basic and polar, with histidine, which is basic and polar, at codon 290 of the POMT1 protein (p.Arg290His). This variant is present in population databases (rs369644530, gnomAD 0.008%). This missense change has been observed in individual(s) with clinical features of POMT1-related conditions (internal data). ClinVar contains an entry for this variant (Variation ID: 436376). Invitae Evidence Modeling of protein sequence and biophysical properties (such as structural, functional, and spatial information, amino acid conservation, physicochemical variation, residue mobility, and thermodynamic stability) indicates that this missense variant is not expected to disrupt POMT1 protein function with a negative predictive value of 95%. In summary, the available evidence is currently insufficient to determine the role of this variant in disease. Therefore, it has been classified as a Variant of Uncertain Significance.

Revvity Omics, Revvity
Classification: Uncertain significance. Last evaluated: 2025-08-07. Review status: criteria provided, single submitter. Criteria: ACMG Guidelines, 2015. Collection method: clinical testing. Allele origin: germline.

GeneDx
Classification: Uncertain significance. Last evaluated: 2025-07-31. Review status: criteria provided, single submitter. Criteria: GeneDx Variant Classification Process June 2021. Collection method: clinical testing. Allele origin: germline. Affected: yes.
Comment: Not observed at significant frequency in large population cohorts (gnomAD); In silico analysis supports that this missense variant has a deleterious effect on protein structure/function; Has not been previously published as pathogenic or benign to our knowledge; This variant is associated with the following publications: (PMID: 22549409)

Blueprint Genetics
Classification: Uncertain significance. Last evaluated: 2024-02-08. Review status: criteria provided, single submitter. Criteria: ACMG Guidelines, 2015. Collection method: clinical testing. Allele origin: germline.

Ambry Genetics
Classification: Uncertain significance for Inborn genetic diseases. Last evaluated: 2021-07-13. Review status: criteria provided, single submitter. Criteria: Ambry Variant Classification Scheme 2023. Collection method: clinical testing. Allele origin: germline.

Illumina Laboratory Services, Illumina
Classification: Uncertain significance for Autosomal recessive limb-girdle muscular dystrophy type 2K. Last evaluated: 2018-01-12. Review status: criteria provided, single submitter. Criteria: ICSL Variant Classification Criteria 13 December 2019. Collection method: clinical testing. Allele origin: germline.

Eurofins Ntd Llc (ga)
Classification: Uncertain significance. Last evaluated: 2017-07-17. Review status: criteria provided, single submitter. Criteria: EGL Classification Definitions 2015. Collection method: clinical testing. Allele origin: germline. Observed: 3 variant alleles, 3 heterozygotes.

Genetic Services Laboratory, University of Chicago
Classification: Uncertain significance. Last evaluated: 2016-09-02. Review status: criteria provided, single submitter. Criteria: ACMG Guidelines, 2015. Collection method: clinical testing. Allele origin: germline. Affected: no.

Department of Genetics, Rouen University Hospital, Normandy Center for Genomic and Personalized Medicine
Classification: Uncertain significance for Neurodevelopmental abnormality. Last evaluated: 2020-04-03. Review status: no assertion criteria provided. Collection method: clinical testing. Allele origin: inherited. Affected: yes. Not counted in ClinVar's aggregate classification.